The following is an entry in ClinVar:

ClinVar aggregate classification (germline): Uncertain significance (1 of 4 stars; one submission).

Conditions:
Hereditary cancer-predisposing syndrome. Also called: Neoplastic Syndromes, Hereditary; Tumor predisposition; Hereditary Cancer Syndrome; Hereditary neoplastic syndrome. Identifiers: Orphanet 140162, MedGen C0027672, MeSH D009386, MONDO:0015356.

Submission:

Ambry Genetics
Classification: Uncertain significance for Hereditary cancer-predisposing syndrome. Last evaluated: 2025-12-18. Review status: criteria provided, single submitter. Criteria: Ambry Variant Classification Scheme 2023. Collection method: clinical testing. Allele origin: germline.
Comment: The p.A408G variant (also known as c.1223C>G), located in coding exon 8 of the RAD50 gene, results from a C to G substitution at nucleotide position 1223. The alanine at codon 408 is replaced by glycine, an amino acid with similar properties. This amino acid position is conserved. In addition, this alteration is predicted to be tolerated by in silico analysis. Based on the available evidence, the clinical significance of this variant remains unclear.

NM_005732.4(RAD50):c.1223C>G (p.Ala408Gly)

Gene: RAD50 (RAD50 double strand break repair protein; plus strand). Cytogenetic location: 5q31.1.
Variant type: single nucleotide variant.
Coding change: c.1223C>G on transcript NM_005732.4 (MANE Select); coding-DNA position 1223, C replaced by G.
Protein change: p.Ala408Gly; replaces alanine 408 with glycine.
Molecular consequence: missense variant.
Genome position (GRCh38, 1-based): chr5:132,588,858, C>G. VCF-style: chr5-132588858-C-G. GRCh37 (hg19) VCF-style: chr5-131924550-C-G.
Other names: short protein forms A408G.
Identifiers: ClinVar variation 4842933 (VCV004842933.1).